The following is an entry in ClinVar:

NM_014844.5(TECPR2):c.1945A>G (p.Thr649Ala)

Gene: TECPR2 (tectonin beta-propeller repeat containing 2; plus strand). Cytogenetic location: 14q32.31.
Variant type: single nucleotide variant.
Coding change: c.1945A>G on transcript NM_014844.5 (MANE Select); coding-DNA position 1945, A replaced by G.
Protein change: p.Thr649Ala; replaces threonine 649 with alanine.
Molecular consequence: missense variant.
Genome position (GRCh38, 1-based): chr14:102,434,762, A>G. VCF-style: chr14-102434762-A-G. GRCh37 (hg19) VCF-style: chr14-102901099-A-G.
Other names: c.1945A>G, p.Thr649Ala (NM_001172631.3); short protein forms T649A.
Identifiers: ClinVar variation 2157973 (VCV002157973.1), dbSNP rs762428227, ClinGen allele CA7357817.

ClinVar aggregate classification (germline): Uncertain significance (1 of 4 stars; one submission).

Conditions:
Hereditary spastic paraplegia 49 (HSAN9). Also called: Spastic paraplegia 49, autosomal recessive; TECPR2-Related Hereditary Sensory and Autonomic Neuropathy with Intellectual Disability; NEUROPATHY, HEREDITARY SENSORY AND AUTONOMIC, TYPE IX, WITH DEVELOPMENTAL DELAY. Identifiers: Orphanet 320385, MedGen C5190860, MONDO:0014016, OMIM 615031.

Allele frequency attached by ClinVar (database versions not stated): TOPMed below 0.00001; gnomAD exomes 0.00001; ExAC 0.00002.

Submission:

Labcorp Genetics (formerly Invitae), Labcorp
Classification: Uncertain significance for Hereditary spastic paraplegia 49. Last evaluated: 2022-05-25. Review status: criteria provided, single submitter. Criteria: Invitae Variant Classification Sherloc (09022015). Collection method: clinical testing. Allele origin: germline.
Comment: This sequence change replaces threonine, which is neutral and polar, with alanine, which is neutral and non-polar, at codon 649 of the TECPR2 protein (p.Thr649Ala). This variant is present in population databases (rs762428227, gnomAD 0.02%). This variant has not been reported in the literature in individuals affected with TECPR2-related conditions. Algorithms developed to predict the effect of missense changes on protein structure and function output the following: SIFT: "Tolerated"; PolyPhen-2: "Benign"; Align-GVGD: "Class C0". The alanine amino acid residue is found in multiple mammalian species, which suggests that this missense change does not adversely affect protein function. In summary, the available evidence is currently insufficient to determine the role of this variant in disease. Therefore, it has been classified as a Variant of Uncertain Significance.